The following is an entry in ClinVar:

NM_000458.4(HNF1B):c.1046-12G>A

Gene: HNF1B (HNF1 homeobox B; minus strand). Cytogenetic location: 17q12.
Variant type: single nucleotide variant.
Coding change: c.1046-12G>A on transcript NM_000458.4 (MANE Select); 12 bases into the intron before coding-DNA position 1046, G replaced by A.
Molecular consequence: intron variant.
Genome position (GRCh38, 1-based): chr17:37,710,675, C>T on the plus strand (G>A on the coding strand, the complement: HNF1B is on the minus strand). VCF-style: chr17-37710675-C-T. GRCh37 (hg19) VCF-style: chr17-36070683-C-T.
Other names: c.968-12G>A (NM_001304286.2, NM_001165923.4); c.1046-12G>A (NM_000458.3).
Identifiers: ClinVar variation 447507 (VCV000447507.11), dbSNP rs201751705, ClinGen allele CA8518909.

ClinVar aggregate classification (germline): Benign/Likely benign. Review status: criteria provided, multiple submitters, no conflicts (2 of 4 stars). 7 submissions from 7 submitters: Benign (1); Likely benign (6). Last evaluated 2025-12-25.

Conditions:
HNF1B-related disorder. Also called: HNF1B-related disorders; HNF1B-related condition.
Renal cysts and diabetes syndrome (RCAD). Also called: MATURITY-ONSET DIABETES OF THE YOUNG, TYPE 5; Familial hypoplastic, glomerulocystic kidney. Identifiers: Orphanet 93111, MedGen C0431693, MONDO:0007669, OMIM 137920.
Nonpapillary renal cell carcinoma. Identifiers: Orphanet 422526, MedGen CN074294, MONDO:0007763, OMIM 144700.
Type 2 diabetes mellitus. Also called: Type II diabetes mellitus. Identifiers: MedGen C0011860, MeSH D003924, MONDO:0005148, OMIM 125853, HP:0005978.
Maturity-onset diabetes of the young (MODY). Also called: Maturity onset diabetes mellitus in young. Identifiers: Orphanet 552, MedGen C0342276, MONDO:0018911, HP:0004904.

Allele frequency attached by ClinVar (database versions not stated): gnomAD exomes 0.00003; ExAC 0.00004; ESP Exome Variant Server 0.00008; gnomAD 0.00011 and 0.00014; TOPMed 0.00013; 1000 Genomes Project 30x 0.00016; 1000 Genomes Project 0.00020.
gnomAD v4.1: 40 of 1,612,102 alleles (0.0025%); highest among the groups gnomAD compares: African/African-American, 0.041%; no homozygotes.

Submissions (7):

Labcorp Genetics (formerly Invitae), Labcorp
Classification: Likely benign. Last evaluated: 2025-12-25. Review status: criteria provided, single submitter. Criteria: Invitae Variant Classification Sherloc (09022015). Collection method: clinical testing. Allele origin: germline.

PreventionGenetics, part of Exact Sciences
Classification: Likely benign for HNF1B-related condition. Last evaluated: 2025-10-29. Review status: criteria provided, single submitter. Criteria: ACMG Guidelines, 2015. Collection method: clinical testing. Allele origin: germline.
Comment: This variant is classified as likely benign based on ACMG/AMP sequence variant interpretation guidelines (Richards et al. 2015 PMID: 25741868, with internal and published modifications).

KCCC/NGS Laboratory, Kuwait Cancer Control Center
Classification: Benign for Renal cysts and diabetes syndrome. Last evaluated: 2025-02-01. Review status: criteria provided, single submitter. Criteria: ACMG Guidelines, 2015. Collection method: clinical testing. Allele origin: germline. Affected: no.

Women's Health and Genetics/Laboratory Corporation of America, LabCorp
Classification: Likely benign. Last evaluated: 2024-02-26. Review status: criteria provided, single submitter. Criteria: LabCorp Variant Classification Summary - May 2015. Collection method: clinical testing. Allele origin: germline.

Fulgent Genetics
Classification: Likely benign for Type 2 diabetes mellitus; Renal cysts and diabetes syndrome; Nonpapillary renal cell carcinoma. Last evaluated: 2021-10-17. Review status: criteria provided, single submitter. Criteria: ACMG Guidelines, 2015. Collection method: clinical testing. Allele origin: unknown.

Athena Diagnostics
Classification: Likely benign. Last evaluated: 2017-05-09. Review status: criteria provided, single submitter. Criteria: Athena Diagnostics Criteria. Collection method: clinical testing. Allele origin: germline.

Clinical Genomics, Uppaluri K&H Personalized Medicine Clinic
Classification: Likely benign for Maturity-onset diabetes of the young. Review status: criteria provided, single submitter. Criteria: K & H Uppaluri Personalized Medicine Clinic Variant Classification & Assertion Criteria_Updated V.1. Collection method: research. Allele origin: unknown. Inheritance: Autosomal dominant inheritance.
Comment: HNF1B gene mutations are associated with early onset diabetes and pancreatic atrophy. It is also associated with multiple renal manifestations including renal cysts, Tubulointerstitial disease, glomerulocystic disease, renal hypoplasia, hypomagnesemia. However no sufficient evidence is found to ascertain the role of this particular variant rs201751705, yet.

Literature cited by the submitters: PubMed 24897035 (cited by Clinical Genomics, Uppaluri K&H Personalized Medicine Clinic); PubMed 25536396 (cited by Clinical Genomics, Uppaluri K&H Personalized Medicine Clinic); PubMed 27615128 (cited by Clinical Genomics, Uppaluri K&H Personalized Medicine Clinic); PubMed 28215227 (cited by Clinical Genomics, Uppaluri K&H Personalized Medicine Clinic); PubMed 33434175 (cited by Clinical Genomics, Uppaluri K&H Personalized Medicine Clinic); PubMed 25741167 (cited by Clinical Genomics, Uppaluri K&H Personalized Medicine Clinic); PubMed 26340261 (cited by Clinical Genomics, Uppaluri K&H Personalized Medicine Clinic); PubMed 19639018 (cited by Clinical Genomics, Uppaluri K&H Personalized Medicine Clinic).